The following is an entry in ClinVar:

NM_005732.4(RAD50):c.1784C>T (p.Ala595Val)

Gene: RAD50 (RAD50 double strand break repair protein; plus strand). Cytogenetic location: 5q31.1.
Variant type: single nucleotide variant.
Coding change: c.1784C>T on transcript NM_005732.4 (MANE Select); coding-DNA position 1784, C replaced by T.
Protein change: p.Ala595Val; replaces alanine 595 with valine.
Molecular consequence: missense variant.
Genome position (GRCh38, 1-based): chr5:132,592,025, C>T. VCF-style: chr5-132592025-C-T. GRCh37 (hg19) VCF-style: chr5-131927717-C-T.
Other names: short protein forms A595V.
Identifiers: ClinVar variation 1714155 (VCV001714155.8), dbSNP rs2479643912, ClinGen allele CA360946787.

ClinVar aggregate classification (germline): Uncertain significance. Review status: criteria provided, multiple submitters, no conflicts (2 of 4 stars). 2 submissions from 2 submitters: Uncertain significance (2). Last evaluated 2022-07-29.

Conditions:
Hereditary cancer-predisposing syndrome. Also called: Neoplastic Syndromes, Hereditary; Tumor predisposition; Hereditary Cancer Syndrome; Hereditary neoplastic syndrome. Identifiers: Orphanet 140162, MedGen C0027672, MeSH D009386, MONDO:0015356.

Allele frequency attached by ClinVar (database versions not stated): gnomAD exomes below 0.00001.
gnomAD v4.1: 2 of 1,611,844 alleles (0.00012%); highest among the groups gnomAD compares: Non-Finnish European, 0.00017%; no homozygotes.

Submissions (2):

Labcorp Genetics (formerly Invitae), Labcorp
Classification: Uncertain significance for Hereditary cancer-predisposing syndrome. Last evaluated: 2022-07-29. Review status: criteria provided, single submitter. Criteria: Invitae Variant Classification Sherloc (09022015). Collection method: clinical testing. Allele origin: germline.
Comment: This sequence change replaces alanine, which is neutral and non-polar, with valine, which is neutral and non-polar, at codon 595 of the RAD50 protein (p.Ala595Val). This variant is not present in population databases (gnomAD no frequency). This variant has not been reported in the literature in individuals affected with RAD50-related conditions. Algorithms developed to predict the effect of missense changes on protein structure and function (SIFT, PolyPhen-2, Align-GVGD) all suggest that this variant is likely to be tolerated. In summary, the available evidence is currently insufficient to determine the role of this variant in disease. Therefore, it has been classified as a Variant of Uncertain Significance.

Ambry Genetics
Classification: Uncertain significance for Hereditary cancer-predisposing syndrome. Last evaluated: 2019-06-27. Review status: criteria provided, single submitter. Criteria: Ambry Variant Classification Scheme 2023. Collection method: clinical testing. Allele origin: germline.
Comment: The p.A595V variant (also known as c.1784C>T), located in coding exon 11 of the RAD50 gene, results from a C to T substitution at nucleotide position 1784. The alanine at codon 595 is replaced by valine, an amino acid with similar properties. This amino acid position is well conserved in available vertebrate species. In addition, this alteration is predicted to be tolerated by BayesDel in silico analysis. Since supporting evidence is limited at this time, the clinical significance of this alteration remains unclear.